The following is an entry in ClinVar:

NM_002772.3(TMPRSS15):c.2803C>T (p.Leu935Phe)

Gene: TMPRSS15 (transmembrane serine protease 15; minus strand). Cytogenetic location: 21q21.1.
Variant type: single nucleotide variant.
Coding change: c.2803C>T on transcript NM_002772.3 (MANE Select); coding-DNA position 2803, C replaced by T.
Protein change: p.Leu935Phe; replaces leucine 935 with phenylalanine.
Molecular consequence: missense variant.
Genome position (GRCh38, 1-based): chr21:18,275,298, G>A on the plus strand (C>T on the coding strand, the complement: TMPRSS15 is on the minus strand). VCF-style: chr21-18275298-G-A. GRCh37 (hg19) VCF-style: chr21-19647615-G-A.
Other names: short protein forms L935F.
Identifiers: ClinVar variation 2133611 (VCV002133611.4), dbSNP rs2146856412, ClinGen allele CA409847503.

ClinVar aggregate classification (germline): Uncertain significance (1 of 4 stars; one submission).

Submission:

Labcorp Genetics (formerly Invitae), Labcorp
Classification: Uncertain significance. Last evaluated: 2022-05-13. Review status: criteria provided, single submitter. Criteria: Invitae Variant Classification Sherloc (09022015). Collection method: clinical testing. Allele origin: germline.
Comment: This sequence change replaces leucine, which is neutral and non-polar, with phenylalanine, which is neutral and non-polar, at codon 935 of the TMPRSS15 protein (p.Leu935Phe). This variant is not present in population databases (gnomAD no frequency). This variant has not been reported in the literature in individuals affected with TMPRSS15-related conditions. Algorithms developed to predict the effect of missense changes on protein structure and function are either unavailable or do not agree on the potential impact of this missense change (SIFT: "Not Available"; PolyPhen-2: "Probably Damaging"; Align-GVGD: "Not Available"). In summary, the available evidence is currently insufficient to determine the role of this variant in disease. Therefore, it has been classified as a Variant of Uncertain Significance.